The following is an entry in ClinVar:

ClinVar aggregate classification (germline): Pathogenic/Likely pathogenic. Review status: criteria provided, multiple submitters, no conflicts (2 of 4 stars). 2 submissions from 2 submitters: Pathogenic (1); Likely pathogenic (1). Last evaluated 2023-11-10.

Conditions:
Severe myoclonic epilepsy in infancy (DRVT). Also called: DEVELOPMENTAL AND EPILEPTIC ENCEPHALOPATHY 6A; Severe Myoclonic Epilepsy in Infancy (SMEI); Epileptic encephalopathy, early infantile, 6 (Dravet syndrome); SEVERE MYOCLONIC EPILEPSY OF INFANCY; Dravet syndrome. Identifiers: Orphanet 33069, MedGen C0751122, MONDO:0100135, OMIM 607208.

Submissions (2):

Institute of Human Genetics, University of Leipzig Medical Center
Classification: Likely pathogenic for Severe myoclonic epilepsy in infancy. Last evaluated: 2023-11-10. Review status: criteria provided, single submitter. Criteria: ACMG Guidelines, 2015. Collection method: clinical testing. Allele origin: unknown. Affected: yes.
Comment: Criteria applied: PS4_MOD,PM5,PM1_SUP,PM2_SUP,PP3

GeneDx
Classification: Pathogenic. Last evaluated: 2014-05-14. Review status: criteria provided, single submitter. Criteria: GeneDx Variant Classification (06012015). Collection method: clinical testing. Allele origin: germline. Affected: yes.
Comment: p.Leu221Pro (CTC>CCC): c.662 T>C in exon 5 of the SCN1A gene (NM_001165963.1) A L221P variant that is likely pathogenic has been identified in the SCN1A gene. The L221P variant has not been published as a mutation, nor has it been reported as a benign polymorphism to our knowledge. It was not observed in approximately 6,500 individuals of European and African American ancestry in the NHLBI Exome Sequencing Project, indicating it is not a common benign variant in these populations. The L221P variant is a semi-conservative amino acid substitution, which may impact secondary protein structure as these residues differ in some properties which is not likely to impact secondary protein structure as these residues share similar properties. However, this substitution alters a highly conserved position in the transmembrane segment S4 of the first homologus repeat of the SCN1A protein, and in silico analysis predicts this variant is probably damaging to the protein structure/function. Additionally, several missense mutations in nearby residues have been reported in association with SCN1A-related disorders, supporting the functional importance of this region of the protein. Therefore, this variant is a strong candidate for a pathogenic mutation. This variant has been observed de novo without verified parentage. The variant is found in EPILEPSY panel(s).

NM_001165963.4(SCN1A):c.662T>C (p.Leu221Pro)

Gene: SCN1A (sodium voltage-gated channel alpha subunit 1; minus strand). Cytogenetic location: 2q24.3.
Variant type: single nucleotide variant.
Coding change: c.662T>C on transcript NM_001165963.4 (MANE Select); coding-DNA position 662, T replaced by C.
Protein change: p.Leu221Pro; replaces leucine 221 with proline.
Molecular consequence: missense variant. On other transcripts: 5 prime UTR variant (1), non-coding transcript variant (1).
Genome position (GRCh38, 1-based): chr2:166,052,884, A>G on the plus strand (T>C on the coding strand, the complement: SCN1A is on the minus strand). VCF-style: chr2-166052884-A-G. GRCh37 (hg19) VCF-style: chr2-166909394-A-G.
Other names: p.L221P:CTC>CCC; c.662T>C, p.Leu221Pro (NM_001165964.3, NM_001202435.3, NM_001353948.2 and 10 more transcripts); c.-1764T>C (NM_001353961.2); short protein forms L221P.
Identifiers: ClinVar variation 206745 (VCV000206745.4), dbSNP rs796052961, ClinGen allele CA317148.